The following is an entry in ClinVar:

ClinVar aggregate classification (germline): Uncertain significance (1 of 4 stars; one submission).

Conditions:
Hereditary pulmonary alveolar proteinosis. Also called: Pulmonary surfactant metabolism dysfunction. Identifiers: Orphanet 264675, MedGen C3711368, MONDO:0012580.

gnomAD v4.1: 11 of 1,549,388 alleles (0.00071%); highest among the groups gnomAD compares: Admixed American, 0.002%; no homozygotes.

Submission:

Ambry Genetics
Classification: Uncertain significance for Hereditary pulmonary alveolar proteinosis. Last evaluated: 2024-05-30. Review status: criteria provided, single submitter. Criteria: Ambry Variant Classification Scheme 2023. Collection method: clinical testing. Allele origin: germline.
Comment: The p.G840R variant (also known as c.2518G>A), located in coding exon 17 of the ABCA3 gene, results from a G to A substitution at nucleotide position 2518. The glycine at codon 840 is replaced by arginine, an amino acid with dissimilar properties. This amino acid position is conserved. In addition, this alteration is predicted to be deleterious by in silico analysis. Based on the available evidence, the clinical significance of this variant remains unclear.

NM_001089.3(ABCA3):c.2518G>A (p.Gly840Arg)

Gene: ABCA3 (ATP binding cassette subfamily A member 3; minus strand). Cytogenetic location: 16p13.3.
Variant type: single nucleotide variant.
Coding change: c.2518G>A on transcript NM_001089.3 (MANE Select); coding-DNA position 2518, G replaced by A.
Protein change: p.Gly840Arg; replaces glycine 840 with arginine.
Molecular consequence: missense variant.
Genome position (GRCh38, 1-based): chr16:2,289,616, C>T on the plus strand (G>A on the coding strand, the complement: ABCA3 is on the minus strand). VCF-style: chr16-2289616-C-T. GRCh37 (hg19) VCF-style: chr16-2339617-C-T.
Other names: short protein forms G840R.
Identifiers: ClinVar variation 3280117 (VCV003280117.1).